The following is an entry in ClinVar:

ClinVar aggregate classification (germline): Uncertain significance (1 of 4 stars; one submission).

Conditions:
Progressive limb weakness. Identifiers: MedGen C3509787.

gnomAD v4.1: 8 of 1,613,686 alleles (0.0005%); highest among the groups gnomAD compares: Non-Finnish European, 0.00068%; no homozygotes.

Submission:

Clinical Genetics Laboratory, Skane University Hospital Lund
Classification: Uncertain significance for Progressive limb weakness. Last evaluated: 2026-08-26. Review status: criteria provided, single submitter. Criteria: ACMG Guidelines, 2015. Collection method: clinical testing. Allele origin: germline. Affected: yes.
Comment: ACMG criteria used: PM2, PP3

NM_001267550.2(TTN):c.83084T>C (p.Leu27695Ser)

Genes: TTN (titin; minus strand), TTN-AS1 (TTN antisense RNA 1; plus strand). Cytogenetic location: 2q31.2.
Variant type: single nucleotide variant.
Coding change: c.83084T>C on transcript NM_001267550.2 (MANE Select); coding-DNA position 83084, T replaced by C.
Protein change: p.Leu27695Ser; replaces leucine 27695 with serine.
Molecular consequence: missense variant.
Genome position (GRCh38, 1-based): chr2:178,563,048, A>G on the plus strand (T>C on the coding strand, the complement: TTN is on the minus strand). VCF-style: chr2-178563048-A-G. GRCh37 (hg19) VCF-style: chr2-179427775-A-G.
Other names: c.78161T>C, p.Leu26054Ser (NM_001256850.1); c.55889T>C, p.Leu18630Ser (NM_003319.4); c.75380T>C, p.Leu25127Ser (NM_133378.4); c.56264T>C, p.Leu18755Ser (NM_133432.3); c.56465T>C, p.Leu18822Ser (NM_133437.4); short protein forms L18630S, L18755S, L18822S, L25127S, L26054S, L27695S.
Identifiers: ClinVar variation 5010280 (VCV005010280.1).